The following is an entry in ClinVar:

NM_004329.3(BMPR1A):c.328T>A (p.Cys110Ser)

Gene: BMPR1A (bone morphogenetic protein receptor type 1A; plus strand). Cytogenetic location: 10q23.2.
Variant type: single nucleotide variant.
Coding change: c.328T>A on transcript NM_004329.3 (MANE Select); coding-DNA position 328, T replaced by A.
Protein change: p.Cys110Ser; replaces cysteine 110 with serine.
Molecular consequence: missense variant. On other transcripts: non-coding transcript variant (3).
Genome position (GRCh38, 1-based): chr10:86,892,224, T>A. VCF-style: chr10-86892224-T-A. GRCh37 (hg19) VCF-style: chr10-88651981-T-A.
Other names: c.328T>A, p.Cys110Ser (NM_001406578.1, NM_001406579.1, NM_001406580.1 and 23 more transcripts); c.244T>A, p.Cys82Ser (NM_001406584.1, NM_001406585.1, NM_001406586.1 and 2 more transcripts); short protein forms C82S, C110S.
Identifiers: ClinVar variation 3992031 (VCV003992031.1).
Genomic context (GRCh38, chr10:86,892,224, plus strand): 5'-GACCAGGGAGAAACCACATTAGCTTCAGGGTGTATGAAATATGAAGGATCTGATTTTCAG[T>A]GCAAAGTAAGATATAATTTGGGACCCATGAGACAAAGAAGGGAGGGGCCATATGAAAGCA-3'
Protein context (NP_004320.2, residues 100-120): CMKYEGSDFQ[Cys110Ser]KDSPKAQLRR

ClinVar aggregate classification (germline): Uncertain significance (1 of 4 stars; one submission).

Conditions:
Hereditary cancer-predisposing syndrome. Also called: Tumor predisposition; Hereditary neoplastic syndrome; Neoplastic Syndromes, Hereditary; Hereditary Cancer Syndrome. Identifiers: Orphanet 140162, MedGen C0027672, MeSH D009386, MONDO:0015356.

Submission:

Ambry Genetics
Classification: Uncertain significance for Hereditary cancer-predisposing syndrome. Last evaluated: 2025-05-19. Review status: criteria provided, single submitter. Criteria: Ambry Variant Classification Scheme 2023. Collection method: clinical testing. Allele origin: germline.
Comment: The p.C110S variant (also known as c.328T>A), located in coding exon 3 of the BMPR1A gene, results from a T to A substitution at nucleotide position 328. The cysteine at codon 110 is replaced by serine, an amino acid with dissimilar properties. This amino acid position is conserved. In addition, this alteration is predicted to be deleterious by in silico analysis. Based on the available evidence, the clinical significance of this variant remains unclear.